The following is an entry in ClinVar:

NM_001692.4(ATP6V1B1):c.1126C>T (p.Gln376Ter)

Gene: ATP6V1B1 (ATPase H+ transporting V1 subunit B1; plus strand). Cytogenetic location: 2p13.3.
Variant type: single nucleotide variant.
Coding change: c.1126C>T on transcript NM_001692.4 (MANE Select); coding-DNA position 1126, C replaced by T.
Protein change: p.Gln376Ter; replaces glutamine 376 with a stop codon.
Molecular consequence: nonsense.
Genome position (GRCh38, 1-based): chr2:70,963,637, C>T. VCF-style: chr2-70963637-C-T. GRCh37 (hg19) VCF-style: chr2-71190767-C-T.
Other names: short protein forms Q376*.
Identifiers: ClinVar variation 1459453 (VCV001459453.7), dbSNP rs1680642791, ClinGen allele CA347187335.
Genomic context (GRCh38, chr2:70,963,637, plus strand): 5'-ACCCACCCTATCCCAGACTTGACGGGCTTCATCACAGAGGGACAGATCTACGTGGACAGA[C>T]AGCTTCACAACAGACAGGTACTGCCCTGTCCCTACCCACTTCCTGCTCTCAGCCCAGAGA-3'

ClinVar aggregate classification (germline): Pathogenic. Review status: criteria provided, multiple submitters, no conflicts (2 of 4 stars). 2 submissions from 2 submitters: Pathogenic (2). Last evaluated 2025-05-06.

Conditions:
Renal tubular acidosis with progressive nerve deafness. Also called: RENAL TUBULAR ACIDOSIS, AUTOSOMAL RECESSIVE, WITH PROGRESSIVE NERVE DEAFNESS; RTA WITH PROGRESSIVE NERVE DEAFNESS; Distal Renal Tubular Acidosis with Progressive Sensorineural Deafness; renal tubular acidosis, distal, 2, with progressive sensorineural hearing loss. Identifiers: MedGen C0403554, MONDO:0009968, OMIM 267300.

Submissions (2):

Myriad Genetics, Inc.
Classification: Pathogenic for Renal tubular acidosis with progressive nerve deafness. Last evaluated: 2025-05-06. Review status: criteria provided, single submitter. Criteria: Myriad Autosomal Dominant, Autosomal Recessive and X-Linked Classification Criteria (2023). Collection method: clinical testing. Allele origin: unknown.
Comment: NM_001692.3(ATP6V1B1):c.1126C>T(Q376*) is expected to be pathogenic in the context of distal renal tubular acidosis with deafness, ATP6V1B1-related. This variant is predicted to lead to an abnormal or absent protein product due to the creation of a premature termination codon in ATP6V1B1, a gene where loss-of-function variants are known to be pathogenic. Please note: this variant was assessed in the context of healthy population screening.

Labcorp Genetics (formerly Invitae), Labcorp
Classification: Pathogenic. Last evaluated: 2021-07-13. Review status: criteria provided, single submitter. Criteria: Invitae Variant Classification Sherloc (09022015). Collection method: clinical testing. Allele origin: germline.
Comment: This variant is not present in population databases (ExAC no frequency). This sequence change creates a premature translational stop signal (p.Gln376*) in the ATP6V1B1 gene. It is expected to result in an absent or disrupted protein product. Loss-of-function variants in ATP6V1B1 are known to be pathogenic (PMID: 9916796, 18368028). This variant has not been reported in the literature in individuals affected with ATP6V1B1-related conditions. For these reasons, this variant has been classified as Pathogenic.

Literature cited by the submitters: PubMed 9916796 (cited by Labcorp Genetics (formerly Invitae), Labcorp); PubMed 18368028 (cited by Labcorp Genetics (formerly Invitae), Labcorp).